The following is an entry in ClinVar:

NM_000038.6(APC):c.1095del (p.Asp366fs)

Gene: APC (APC regulator of Wnt signaling pathway; plus strand). Cytogenetic location: 5q22.2.
Variant type: Deletion.
Coding change: c.1095del on transcript NM_000038.6 (MANE Select); coding-DNA position 1095, one base deleted (A; older notation c.1095delA).
Protein change: p.Asp366fs; shifts the reading frame from aspartic acid 366.
Molecular consequence: frameshift variant. On other transcripts: intron variant (4).
Genome position (GRCh38, 1-based): chr5:112,819,127, A deleted; the last of 3 consecutive A bases (chr5:112,819,125-112,819,127); deleting any one gives the same sequence. VCF-style (leftmost placement, unchanged base first): chr5-112819124-CA-C. GRCh37 (hg19) VCF-style: chr5-112154821-CA-C.
Other names: c.1095del, p.Asp366fs (NM_001127510.3, NM_001354895.2, NM_001354896.2); c.1041del, p.Asp348fs (NM_001127511.3); c.1125del, p.Asp376fs (NM_001354897.2); c.1020del, p.Asp341fs (NM_001354898.2); c.1011del, p.Asp338fs (NM_001354899.2); c.918del, p.Asp307fs (NM_001354900.2, NM_001354901.2); c.246del, p.Asp83fs (NM_001354906.2); c.1125delA, p.Asp376Thrfs (NM_001407446.1); and 9 more; short protein forms D83fs, D376fs, D307fs, D338fs, D341fs, D348fs, D366fs.
Identifiers: ClinVar variation 1790429 (VCV001790429.10), dbSNP rs2533044885, ClinGen allele CA658760517.

ClinVar aggregate classification (germline): Pathogenic. Review status: criteria provided, multiple submitters, no conflicts (2 of 4 stars). 4 submissions from 4 submitters: Pathogenic (4). Last evaluated 2024-01-18.

Conditions:
APC-related disorder. Also called: APC-related condition.
Hereditary cancer-predisposing syndrome. Also called: Hereditary Cancer Syndrome; Hereditary neoplastic syndrome; Tumor predisposition; Neoplastic Syndromes, Hereditary. Identifiers: Orphanet 140162, MedGen C0027672, MeSH D009386, MONDO:0015356.
Familial adenomatous polyposis 1 (FAP1). Also called: FAMILIAL ADENOMATOUS POLYPOSIS 1, ATTENUATED; POLYPOSIS, ADENOMATOUS INTESTINAL. Identifiers: MedGen C2713442, MONDO:0021056, OMIM 175100. Disease mechanism: loss of function.

Submissions (4):

Labcorp Genetics (formerly Invitae), Labcorp
Classification: Pathogenic for Familial adenomatous polyposis 1. Last evaluated: 2024-01-18. Review status: criteria provided, single submitter. Criteria: Invitae Variant Classification Sherloc (09022015). Collection method: clinical testing. Allele origin: germline.
Comment: This sequence change creates a premature translational stop signal (p.Asp366Thrfs*88) in the APC gene. It is expected to result in an absent or disrupted protein product. Loss-of-function variants in APC are known to be pathogenic (PMID: 17963004, 20685668). This variant is not present in population databases (gnomAD no frequency). This premature translational stop signal has been observed in individual(s) with familial adenomatous polyposis (PMID: 20685668). ClinVar contains an entry for this variant (Variation ID: 1790429). For these reasons, this variant has been classified as Pathogenic.

PreventionGenetics, part of Exact Sciences
Classification: Pathogenic for APC-related condition. Last evaluated: 2023-08-09. Review status: criteria provided, single submitter. Criteria: ACMG Guidelines, 2015. Collection method: clinical testing. Allele origin: germline.
Comment: The APC c.1095delA variant is predicted to result in a frameshift and premature protein termination (p.Asp366Thrfs*88). This variant has been reported in individuals with adenomatous polyposis coli (Supplement, Lagarde et al. 2010. PubMed ID: 20685668). This variant has not been reported in a large population database, indicating this variant is rare. It is interpreted as pathogenic in ClinVar. Frameshift variants in APC are expected to be pathogenic. This variant is interpreted as pathogenic.

Myriad Genetics, Inc.
Classification: Pathogenic for Familial adenomatous polyposis 1. Last evaluated: 2023-04-28. Review status: criteria provided, single submitter. Criteria: Myriad Autosomal Dominant, Autosomal Recessive and X-Linked Classification Criteria (2023). Collection method: clinical testing. Allele origin: unknown.
Comment: This variant is considered pathogenic. This variant creates a frameshift predicted to result in premature protein truncation.

Ambry Genetics
Classification: Pathogenic for Hereditary cancer-predisposing syndrome. Last evaluated: 2021-11-12. Review status: criteria provided, single submitter. Criteria: Ambry Variant Classification Scheme 2023. Collection method: clinical testing. Allele origin: germline.
Comment: The c.1095delA pathogenic mutation, located in coding exon 9 of the APC gene, results from a deletion of one nucleotide at nucleotide position 1095, causing a translational frameshift with a predicted alternate stop codon (p.D366Tfs*88). This alteration has been observed in at least one individual with a personal and/or family history that is consistent with attenuated familial adenomatous polyposis (FAP)-related disease (Ambry internal data). This alteration was identified in 2/934 French patients with FAP (Lagarde A et al. J Med Genet, 2010 Oct;47:721-2). This variant is considered to be rare based on population cohorts in the Genome Aggregation Database (gnomAD). In addition to the clinical data presented in the literature, this alteration is expected to result in loss of function by premature protein truncation or nonsense-mediated mRNA decay. As such, this alteration is interpreted as a disease-causing mutation.

Literature cited by the submitters: PubMed 17963004 (cited by Labcorp Genetics (formerly Invitae), Labcorp); PubMed 20685668 (cited by Labcorp Genetics (formerly Invitae), Labcorp and Ambry Genetics).